The following is an entry in ClinVar:

ClinVar aggregate classification (germline): Pathogenic/Likely pathogenic. Review status: criteria provided, multiple submitters, no conflicts (2 of 4 stars). 2 submissions from 2 submitters: Pathogenic (1); Likely pathogenic (1). Last evaluated 2025-04-09.

Conditions:
Hereditary cancer-predisposing syndrome. Also called: Hereditary Cancer Syndrome; Hereditary neoplastic syndrome; Neoplastic Syndromes, Hereditary; Tumor predisposition. Identifiers: Orphanet 140162, MedGen C0027672, MeSH D009386, MONDO:0015356.

Submissions (2):

ARUP Laboratories, Molecular Genetics and Genomics, ARUP Laboratories
Classification: Likely pathogenic. Last evaluated: 2025-04-09. Review status: criteria provided, single submitter. Criteria: ARUP Molecular Germline Variant Investigation Process 2024. Collection method: clinical testing. Allele origin: germline.
Comment: The STK11 c.462dup; p.Gly155ArgfsTer8 variant, to our knowledge, is not reported in the medical literature but is reported in ClinVar (Variation ID: 1742016). This variant is absent from the Genome Aggregation Database (v2.1.1), indicating it is not a common polymorphism. This variant causes a frameshift by inserting a single nucleotide, so it is predicted to result in a truncated protein or mRNA subject to nonsense-mediated decay. Based on available information, this variant is considered to be likely pathogenic.

Ambry Genetics
Classification: Pathogenic for Hereditary cancer-predisposing syndrome. Last evaluated: 2021-12-13. Review status: criteria provided, single submitter. Criteria: Ambry Variant Classification Scheme 2023. Collection method: clinical testing. Allele origin: germline.
Comment: The c.462dupC pathogenic mutation, located in coding exon 3 of the STK11 gene, results from a duplication of C at nucleotide position 462, causing a translational frameshift with a predicted alternate stop codon (p.G155Rfs*8). This alteration has been observed in at least one individual with a personal and/or family history that is consistent with STK11-related disease (Ambry internal data). This variant is considered to be rare based on population cohorts in the Genome Aggregation Database (gnomAD). This alteration is expected to result in loss of function by premature protein truncation or nonsense-mediated mRNA decay. As such, this alteration is interpreted as a disease-causing mutation.

NM_000455.5(STK11):c.462dup (p.Gly155fs)

Gene: STK11 (serine/threonine kinase 11; plus strand). Cytogenetic location: 19p13.3.
Variant type: Duplication.
Coding change: c.462dup on transcript NM_000455.5 (MANE Select); coding-DNA position 462, one base duplicated (C; older notation c.462dupC).
Protein change: p.Gly155fs; shifts the reading frame from glycine 155.
Molecular consequence: frameshift variant.
Genome position (GRCh38, 1-based): chr19:1,219,411, C duplicated. VCF-style (leftmost placement, unchanged base first): chr19-1219410-A-AC. GRCh37 (hg19) VCF-style: chr19-1219409-A-AC.
Other names: c.462dup, p.Gly155Argfs (NM_001407255.1); c.462dupC (NM_000455.4); short protein forms G155fs.
Identifiers: ClinVar variation 1742016 (VCV001742016.3), dbSNP rs2512940524, ClinGen allele CA2580096047.
Genomic context (GRCh38, chr19:1,219,410, plus strand): 5'-GTGGCATGCAGGAAATGCTGGACAGCGTGCCGGAGAAGCGTTTCCCAGTGTGCCAGGCCC[A>AC]CGGGTGCGTGCGCGGGGCAGGGGCCAGGGTGGGGCGGGGGCCGGGGGCCAGGCAGGGCAG-3'